The following is an entry in ClinVar:

NM_001041.4(SI):c.5252C>T (p.Thr1751Ile)

Gene: SI (sucrase-isomaltase; minus strand). Cytogenetic location: 3q26.1.
Variant type: single nucleotide variant.
Coding change: c.5252C>T on transcript NM_001041.4 (MANE Select); coding-DNA position 5252, C replaced by T.
Protein change: p.Thr1751Ile; replaces threonine 1751 with isoleucine.
Molecular consequence: missense variant.
Genome position (GRCh38, 1-based): chr3:164,982,406, G>A on the plus strand (C>T on the coding strand, the complement: SI is on the minus strand). VCF-style: chr3-164982406-G-A. GRCh37 (hg19) VCF-style: chr3-164700194-G-A.
Other names: c.5252C>T (NM_001041.3); short protein forms T1751I.
Identifiers: ClinVar variation 2159762 (VCV002159762.4), dbSNP rs377361477, ClinGen allele CA2689568.
Genomic context (GRCh38, chr3:164,982,406, plus strand): 5'-GATCCAAGCCTCGTTTCACTTTTATTTATGTAACCTCTCTTCAATATAGTGCTTGTTAAG[G>A]TGGTCTATAAATAAAGAAAAAGGAATAACATAAACACTTTATTTGCAAAAGCAATTAAAA-3'
Protein context (NP_001032.2, residues 1741-1761): LSVQFNLNQT[Thr1751Ile]LTSTILKRGY

ClinVar aggregate classification (germline): Uncertain significance. Review status: criteria provided, multiple submitters, no conflicts (2 of 4 stars). 3 submissions from 3 submitters: Uncertain significance (3). Last evaluated 2024-12-31.

Conditions:
Inborn genetic diseases. Identifiers: MedGen C0950123, MeSH D030342.
Sucrase-isomaltase deficiency (CSID). Also called: Congenital sucrose isomaltose malabsorption; Sucrose isomaltose enzyme deficiency; SI DEFICIENCY; Deficiency of isomaltase. Identifiers: Orphanet 35122, MedGen C1283620, MONDO:0009114, OMIM 222900.

Allele frequency attached by ClinVar (database versions not stated): TOPMed 0.00005; gnomAD 0.00008.
gnomAD v4.1: 32 of 1,607,452 alleles (0.002%); highest among the groups gnomAD compares: African/African-American, 0.019%; no homozygotes.

Submissions (3):

Labcorp Genetics (formerly Invitae), Labcorp
Classification: Uncertain significance. Last evaluated: 2024-12-31. Review status: criteria provided, single submitter. Criteria: Invitae Variant Classification Sherloc (09022015). Collection method: clinical testing. Allele origin: germline.
Comment: This sequence change replaces threonine, which is neutral and polar, with isoleucine, which is neutral and non-polar, at codon 1751 of the SI protein (p.Thr1751Ile). This variant is present in population databases (rs377361477, gnomAD 0.02%). This variant has not been reported in the literature in individuals affected with SI-related conditions. ClinVar contains an entry for this variant (Variation ID: 2159762). Invitae Evidence Modeling of protein sequence and biophysical properties (such as structural, functional, and spatial information, amino acid conservation, physicochemical variation, residue mobility, and thermodynamic stability) indicates that this missense variant is not expected to disrupt SI protein function with a negative predictive value of 95%. In summary, the available evidence is currently insufficient to determine the role of this variant in disease. Therefore, it has been classified as a Variant of Uncertain Significance.

Ambry Genetics
Classification: Uncertain significance for Inborn genetic diseases. Last evaluated: 2024-12-02. Review status: criteria provided, single submitter. Criteria: Ambry Variant Classification Scheme 2023. Collection method: clinical testing. Allele origin: germline.

Fulgent Genetics
Classification: Uncertain significance for Sucrase-isomaltase deficiency. Last evaluated: 2024-04-19. Review status: criteria provided, single submitter. Criteria: ACMG Guidelines, 2015. Collection method: clinical testing. Allele origin: germline.